The following is an entry in ClinVar:

NM_020987.5(ANK3):c.392C>T (p.Ala131Val)

Gene: ANK3 (ankyrin 3; minus strand). Cytogenetic location: 10q21.2.
Variant type: single nucleotide variant.
Coding change: c.392C>T on transcript NM_020987.5 (MANE Select); coding-DNA position 392, C replaced by T.
Protein change: p.Ala131Val; replaces alanine 131 with valine.
Molecular consequence: missense variant.
Genome position (GRCh38, 1-based): chr10:60,278,796, G>A on the plus strand (C>T on the coding strand, the complement: ANK3 is on the minus strand). VCF-style: chr10-60278796-G-A. GRCh37 (hg19) VCF-style: chr10-62038554-G-A.
Other names: c.374C>T, p.Ala125Val (NM_001204403.2); c.341C>T, p.Ala114Val (NM_001204404.2); c.392C>T, p.Ala131Val (NM_001320874.2); short protein forms A131V, A114V, A125V.
Identifiers: ClinVar variation 1478164 (VCV001478164.8), dbSNP rs377444314, ClinGen allele CA5513447.

ClinVar aggregate classification (germline): Uncertain significance (1 of 4 stars; one submission).

Allele frequency attached by ClinVar (database versions not stated): gnomAD exomes below 0.00001; ExAC 0.00001; ESP Exome Variant Server 0.00008.
gnomAD v4.1: 1 of 1,613,706 alleles (0.000062%); highest among the groups gnomAD compares: Non-Finnish European, 0.000085%; no homozygotes.

Submission:

Labcorp Genetics (formerly Invitae), Labcorp
Classification: Uncertain significance. Last evaluated: 2022-06-05. Review status: criteria provided, single submitter. Criteria: Invitae Variant Classification Sherloc (09022015). Collection method: clinical testing. Allele origin: germline.
Comment: This sequence change replaces alanine, which is neutral and non-polar, with valine, which is neutral and non-polar, at codon 131 of the ANK3 protein (p.Ala131Val). This variant is present in population databases (rs377444314, gnomAD 0.0009%). This variant has not been reported in the literature in individuals affected with ANK3-related conditions. ClinVar contains an entry for this variant (Variation ID: 1478164). Algorithms developed to predict the effect of missense changes on protein structure and function are either unavailable or do not agree on the potential impact of this missense change (SIFT: "Not Available"; PolyPhen-2: "Probably Damaging"; Align-GVGD: "Not Available"). In summary, the available evidence is currently insufficient to determine the role of this variant in disease. Therefore, it has been classified as a Variant of Uncertain Significance.